The following is an entry in ClinVar:

ClinVar aggregate classification (germline): Pathogenic (1 of 4 stars; one submission).

Conditions:
Hereditary spastic paraplegia 11. Also called: SPASTIC PARAPLEGIA, AUTOSOMAL RECESSIVE, COMPLICATED, WITH THIN CORPUS CALLOSUM; SPASTIC PARAPLEGIA, AUTOSOMAL RECESSIVE, WITH MENTAL IMPAIRMENT AND THIN CORPUS CALLOSUM; Spastic Paraplegia 11; Spastic paraplegia, mental retardation and thin corpus callosum; Nakamura Osame syndrome; Autosomal recessive hereditary spastic paraplegia, mental impairment, and thin corpus callosum. Identifiers: Orphanet 2822, MedGen C1858479, MONDO:0011445, OMIM 604360.

Submission:

Labcorp Genetics (formerly Invitae), Labcorp
Classification: Pathogenic for Hereditary spastic paraplegia 11. Last evaluated: 2023-11-18. Review status: criteria provided, single submitter. Criteria: Invitae Variant Classification Sherloc (09022015). Collection method: clinical testing. Allele origin: germline.
Comment: This sequence change creates a premature translational stop signal (p.Lys1706Argfs*13) in the SPG11 gene. It is expected to result in an absent or disrupted protein product. Loss-of-function variants in SPG11 are known to be pathogenic (PMID: 19105190, 20110243, 22154821, 26556829). This variant is not present in population databases (gnomAD no frequency). This variant has not been reported in the literature in individuals affected with SPG11-related conditions. For these reasons, this variant has been classified as Pathogenic.

Literature cited by the submitters: PubMed 19105190; PubMed 20110243; PubMed 22154821; PubMed 26556829.

NM_025137.4(SPG11):c.5117_5118del (p.Lys1706fs)

Gene: SPG11 (SPG11 vesicle trafficking associated, spatacsin; minus strand). Cytogenetic location: 15q21.1.
Variant type: Deletion.
Coding change: c.5117_5118del on transcript NM_025137.4 (MANE Select); coding-DNA positions 5117 to 5118, 2 bases deleted (AA; older notation c.5117_5118delAA).
Protein change: p.Lys1706fs; shifts the reading frame from lysine 1706.
Molecular consequence: frameshift variant.
Genome position (GRCh38, 1-based): chr15:44,585,639-44,585,640, TT deleted on the plus strand (AA on the coding strand, the reverse complement: SPG11 is on the minus strand); deleting any 2 consecutive bases within chr15:44,585,639-44,585,641 gives the same sequence; the c. name uses the placement nearest the transcript's 3' end. VCF-style (leftmost placement, unchanged base first): chr15-44585638-CTT-C. GRCh37 (hg19) VCF-style: chr15-44877836-CTT-C.
Other names: c.5117_5118del, p.Lys1706fs (NM_001160227.2, NM_001411132.1); short protein forms K1706fs.
Identifiers: ClinVar variation 2697153 (VCV002697153.3), dbSNP rs2505300929, ClinGen allele CA2697554436.